The following is an entry in ClinVar:

NM_014996.4(PLCH1):c.513C>T (p.Asp171=)

Gene: PLCH1 (phospholipase C eta 1; minus strand). Cytogenetic location: 3q25.31.
Variant type: single nucleotide variant.
Coding change: c.513C>T on transcript NM_014996.4 (MANE Select); coding-DNA position 513, C replaced by T.
Protein change: p.Asp171=; no amino-acid change (aspartic acid 171 retained).
Molecular consequence: synonymous variant.
Genome position (GRCh38, 1-based): chr3:155,586,152, G>A on the plus strand (C>T on the coding strand, the complement: PLCH1 is on the minus strand). VCF-style: chr3-155586152-G-A. GRCh37 (hg19) VCF-style: chr3-155303941-G-A.
Other names: c.477C>T, p.Asp159= (NM_001130960.2, NM_001130961.2, NM_001349250.2); c.513C>T, p.Asp171= (NM_001349251.2, NM_001349252.2).
Identifiers: ClinVar variation 2654251 (VCV002654251.24), dbSNP rs766547445, ClinGen allele CA2676841.

ClinVar aggregate classification (germline): Likely benign (1 of 4 stars; one submission).

Allele frequency attached by ClinVar (database versions not stated): gnomAD 0.00002; TOPMed 0.00002; gnomAD exomes 0.00003; ExAC 0.00005.
gnomAD v4.1: 42 of 1,613,706 alleles (0.0026%); highest among the groups gnomAD compares: Admixed American, 0.005%; no homozygotes.

Submission:

CeGaT Center for Human Genetics Tuebingen
Classification: Likely benign. Last evaluated: 2023-07-01. Review status: criteria provided, single submitter. Criteria: CeGaT Center For Human Genetics Tuebingen Variant Classification Criteria Version 2. Collection method: clinical testing. Allele origin: germline. Affected: yes. Observed: 1 variant allele.
Comment: PLCH1: BP4, BP7